The following is an entry in ClinVar:

NM_001365276.2(TNXB):c.8360G>A (p.Ser2787Asn)

Gene: TNXB (tenascin XB; minus strand). Cytogenetic location: 6p21.33.
Variant type: single nucleotide variant.
Coding change: c.8360G>A on transcript NM_001365276.2 (MANE Select); coding-DNA position 8360, G replaced by A.
Protein change: p.Ser2787Asn; replaces serine 2787 with asparagine.
Molecular consequence: missense variant.
Genome position (GRCh38, 1-based): chr6:32,055,958, C>T on the plus strand (G>A on the coding strand, the complement: TNXB is on the minus strand). VCF-style: chr6-32055958-C-T. GRCh37 (hg19) VCF-style: chr6-32023735-C-T.
Other names: c.9101G>A, p.Ser3034Asn (NM_001428335.1); c.8360G>A, p.Ser2787Asn (NM_019105.8); short protein forms S3034N, S2787N.
Identifiers: ClinVar variation 4615129 (VCV004615129.1).

ClinVar aggregate classification (germline): Uncertain significance (1 of 4 stars; one submission).

Conditions:
Cardiovascular phenotype. Identifiers: MedGen CN230736.

gnomAD v4.1: 1 of 1,613,508 alleles (0.000062%); highest among the groups gnomAD compares: African/African-American, 0.0013%; no homozygotes.

Submission:

Ambry Genetics
Classification: Uncertain significance for Cardiovascular phenotype. Last evaluated: 2025-09-25. Review status: criteria provided, single submitter. Criteria: Ambry Variant Classification Scheme 2023. Collection method: clinical testing. Allele origin: germline.
Comment: The p.S2787N variant (also known as c.8360G>A), located in coding exon 23 of the TNXB gene, results from a G to A substitution at nucleotide position 8360. The serine at codon 2787 is replaced by asparagine, an amino acid with highly similar properties. This amino acid position is conserved. In addition, this alteration is predicted to be tolerated by in silico analysis. Based on the available evidence, the clinical significance of this variant remains unclear.